The following is an entry in ClinVar:

NM_004069.6(AP2S1):c.161A>G (p.Asn54Ser)

Gene: AP2S1 (adaptor related protein complex 2 subunit sigma 1; minus strand). Cytogenetic location: 19q13.32.
Variant type: single nucleotide variant.
Coding change: c.161A>G on transcript NM_004069.6 (MANE Select); coding-DNA position 161, A replaced by G.
Protein change: p.Asn54Ser; replaces asparagine 54 with serine.
Molecular consequence: missense variant. On other transcripts: intron variant (1).
Genome position (GRCh38, 1-based): chr19:46,839,571, T>C on the plus strand (A>G on the coding strand, the complement: AP2S1 is on the minus strand). VCF-style: chr19-46839571-T-C. GRCh37 (hg19) VCF-style: chr19-47342828-T-C.
Other names: c.209A>G, p.Asn70Ser (NM_001301076.3); c.203A>G, p.Asn68Ser (NM_001301078.3); c.167A>G, p.Asn56Ser (NM_001301081.3); c.154-772A>G (NM_021575.5); short protein forms N54S, N56S, N68S, N70S.
Identifiers: ClinVar variation 3253456 (VCV003253456.1), dbSNP rs2514059594.
Genomic context (GRCh38, chr19:46,839,571, plus strand): 5'-TTGACATCCACACAGATGCAGAAGTAGAGGCCAGCATAGCGGCGGTAAATGATCTTAAAG[T>C]TCCGGAACTGCAGAACAGAGAGGCTGTCAGCAACGGAGATTGCCAGGACCTAACGTGCCA-3'
Protein context (NP_004060.2, residues 44-64): AKHTNFVEFR[Asn54Ser]FKIIYRRYAG

ClinVar aggregate classification (germline): Uncertain significance (1 of 4 stars; one submission).

Submission:

GeneDx
Classification: Uncertain significance. Last evaluated: 2023-12-12. Review status: criteria provided, single submitter. Criteria: GeneDx Variant Classification Process June 2021. Collection method: clinical testing. Allele origin: germline. Affected: yes.
Comment: Not observed at significant frequency in large population cohorts (gnomAD); In silico analysis supports that this missense variant has a deleterious effect on protein structure/function; Has not been previously published as pathogenic or benign to our knowledge